The following is an entry in ClinVar:

ClinVar aggregate classification (germline): Uncertain significance (1 of 4 stars; one submission).

Conditions:
FG syndrome (FGS). Identifiers: MedGen C0220769, MONDO:0002010.

Submission:

Labcorp Genetics (formerly Invitae), Labcorp
Classification: Uncertain significance for FG syndrome. Last evaluated: 2022-08-31. Review status: criteria provided, single submitter. Criteria: Invitae Variant Classification Sherloc (09022015). Collection method: clinical testing. Allele origin: germline.
Comment: In summary, the available evidence is currently insufficient to determine the role of this variant in disease. Therefore, it has been classified as a Variant of Uncertain Significance. Advanced modeling of protein sequence and biophysical properties (such as structural, functional, and spatial information, amino acid conservation, physicochemical variation, residue mobility, and thermodynamic stability) performed at Invitae indicates that this missense variant is expected to disrupt MED12 protein function. This variant has not been reported in the literature in individuals affected with MED12-related conditions. This variant is not present in population databases (gnomAD no frequency). This sequence change replaces serine, which is neutral and polar, with tyrosine, which is neutral and polar, at codon 1359 of the MED12 protein (p.Ser1359Tyr).

NM_005120.3(MED12):c.4076C>A (p.Ser1359Tyr)

Gene: MED12 (mediator complex subunit 12; plus strand). Cytogenetic location: Xq13.1.
Variant type: single nucleotide variant.
Coding change: c.4076C>A on transcript NM_005120.3 (MANE Select); coding-DNA position 4076, C replaced by A.
Protein change: p.Ser1359Tyr; replaces serine 1359 with tyrosine.
Molecular consequence: missense variant.
Genome position (GRCh38, 1-based): chrX:71,131,578, C>A. VCF-style: chrX-71131578-C-A. GRCh37 (hg19) VCF-style: chrX-70351428-C-A.
Other names: short protein forms S1359Y.
Identifiers: ClinVar variation 1718469 (VCV001718469.6), dbSNP rs2519698092, ClinGen allele CA413524931.